The following is an entry in ClinVar:

ClinVar aggregate classification (germline): Likely benign. Review status: criteria provided, single submitter (1 of 4 stars). 2 submissions from 2 submitters: Likely benign (1). 1 of the submissions does not count toward it. Last evaluated 2024-09-01.

Conditions:
NEMF-related disorder. Also called: NEMF-related condition.

Allele frequency attached by ClinVar (database versions not stated): gnomAD exomes 0.00013; ExAC 0.00037; 1000 Genomes Project 0.00080; 1000 Genomes Project 30x 0.00094; gnomAD 0.00102; TOPMed 0.00109; ESP Exome Variant Server 0.00115.
gnomAD v4.1: 364 of 1,608,128 alleles (0.023%); highest among the groups gnomAD compares: African/African-American, 0.38%; no homozygotes.

Submissions (2):

CeGaT Center for Human Genetics Tuebingen
Classification: Likely benign. Last evaluated: 2024-09-01. Review status: criteria provided, single submitter. Criteria: CeGaT Center For Human Genetics Tuebingen Variant Classification Criteria Version 2. Collection method: clinical testing. Allele origin: germline. Affected: yes. Observed: 2 variant alleles.
Comment: NEMF: BP4, BP7

PreventionGenetics, part of Exact Sciences
Classification: Likely benign for NEMF-related condition. Last evaluated: 2019-06-19. Review status: no assertion criteria provided. Collection method: clinical testing. Allele origin: germline. Not counted in ClinVar's aggregate classification.
Comment: This variant is classified as likely benign based on ACMG/AMP sequence variant interpretation guidelines (Richards et al. 2015 PMID: 25741868, with internal and published modifications).

NM_004713.6(NEMF):c.846A>C (p.Ser282=)

Gene: NEMF (nuclear export mediator factor; minus strand). Cytogenetic location: 14q21.3.
Variant type: single nucleotide variant.
Coding change: c.846A>C on transcript NM_004713.6 (MANE Select); coding-DNA position 846, A replaced by C.
Protein change: p.Ser282=; no amino-acid change (serine 282 retained).
Molecular consequence: synonymous variant.
Genome position (GRCh38, 1-based): chr14:49,832,087, T>G on the plus strand (A>C on the coding strand, the complement: NEMF is on the minus strand). VCF-style: chr14-49832087-T-G. GRCh37 (hg19) VCF-style: chr14-50298805-T-G.
Other names: c.846A>C, p.Ser282= (NM_001301732.3).
Identifiers: ClinVar variation 3043431 (VCV003043431.20), dbSNP rs148876540, ClinGen allele CA7175480.